The following is an entry in ClinVar:

NM_000303.3(PMM2):c.287T>G (p.Ile96Ser)

Gene: PMM2 (phosphomannomutase 2; plus strand). Cytogenetic location: 16p13.2.
Variant type: single nucleotide variant.
Coding change: c.287T>G on transcript NM_000303.3 (MANE Select); coding-DNA position 287, T replaced by G.
Protein change: p.Ile96Ser; replaces isoleucine 96 with serine.
Molecular consequence: missense variant.
Genome position (GRCh38, 1-based): chr16:8,806,347, T>G. VCF-style: chr16-8806347-T-G. GRCh37 (hg19) VCF-style: chr16-8900204-T-G.
Other names: p.Ile96Ser; short protein forms I96S.
Identifiers: ClinVar variation 3380371 (VCV003380371.3).
Genomic context (GRCh38, chr16:8,806,347, plus strand): 5'-CAAGTAACTCAAGTATTTTCTTCATCTAGAATATTCAAAGTCATCTGGGTGAGGCCCTAA[T>G]CCAAGATTTAATCAACTACTGTCTGAGCTACATTGCGAAAATTAAACTCCCGAAGAAGAG-3'
Protein context (NP_000294.1, residues 86-106): NIQSHLGEAL[Ile96Ser]QDLINYCLSY

ClinVar aggregate classification (germline): Uncertain significance. Review status: criteria provided, multiple submitters, no conflicts (2 of 4 stars). 3 submissions from 3 submitters: Uncertain significance (3). Last evaluated 2025-07-15.

Conditions:
PMM2-congenital disorder of glycosylation. Also called: PMM2-CDG; JAEKEN SYNDROME; PHOSPHOMANNOMUTASE 2 DEFICIENCY; CDG Ia; CARBOHYDRATE-DEFICIENT GLYCOPROTEIN SYNDROME, TYPE Ia; Congenital disorder of glycosylation, type Ia. Identifiers: Orphanet 79318, MedGen C0349653, MONDO:0008907, OMIM 212065.

Submissions (3):

Undiagnosed Diseases Network, NIH
Classification: Uncertain significance for PMM2-congenital disorder of glycosylation. Last evaluated: 2025-07-15. Review status: criteria provided, single submitter. Criteria: ACMG Guidelines, 2015. Collection method: clinical testing. Allele origin: maternal. Affected: yes. Observed: 1 variant allele, 1 heterozygote. Study: Undiagnosed Diseases Network (NIH), UDN.
Comment: This missense variant occurs at a residue with high evolutionary conservation and this effect is predicted to be deleterious (REVEL = 0.887, CADD = 25.8).

Mayo Clinic Laboratories, Mayo Clinic
Classification: Uncertain significance. Last evaluated: 2024-09-11. Review status: criteria provided, single submitter. Criteria: ACMG Guidelines, 2015. Collection method: clinical testing. Allele origin: germline. Observed: 1 variant allele.
Comment: PP3_moderate, PP4, PM2, PM3_supporting

Fulgent Genetics
Classification: Uncertain significance for PMM2-congenital disorder of glycosylation. Last evaluated: 2024-01-23. Review status: criteria provided, single submitter. Criteria: ACMG Guidelines, 2015. Collection method: clinical testing. Allele origin: germline.